The following is an entry in ClinVar:

NM_006231.4(POLE):c.2342C>G (p.Ala781Gly)

Gene: POLE (DNA polymerase epsilon, catalytic subunit; minus strand). Cytogenetic location: 12q24.33.
Variant type: single nucleotide variant.
Coding change: c.2342C>G on transcript NM_006231.4 (MANE Select); coding-DNA position 2342, C replaced by G.
Protein change: p.Ala781Gly; replaces alanine 781 with glycine.
Molecular consequence: missense variant.
Genome position (GRCh38, 1-based): chr12:132,665,428, G>C on the plus strand (C>G on the coding strand, the complement: POLE is on the minus strand). VCF-style: chr12-132665428-G-C. GRCh37 (hg19) VCF-style: chr12-133242014-G-C.
Other names: short protein forms A781G.
Identifiers: ClinVar variation 1346856 (VCV001346856.8), dbSNP rs1060500855, ClinGen allele CA387397890.

ClinVar aggregate classification (germline): Uncertain significance (1 of 4 stars; one submission).

Submission:

Labcorp Genetics (formerly Invitae), Labcorp
Classification: Uncertain significance. Last evaluated: 2020-11-13. Review status: criteria provided, single submitter. Criteria: Invitae Variant Classification Sherloc (09022015). Collection method: clinical testing. Allele origin: germline.
Comment: In summary, the available evidence is currently insufficient to determine the role of this variant in disease. Therefore, it has been classified as a Variant of Uncertain Significance. This variant is not present in population databases (ExAC no frequency). Algorithms developed to predict the effect of missense changes on protein structure and function (SIFT, PolyPhen-2, Align-GVGD) all suggest that this variant is likely to be tolerated, but these predictions have not been confirmed by published functional studies and their clinical significance is uncertain. This variant has not been reported in the literature in individuals with POLE-related conditions. This sequence change replaces alanine with glycine at codon 781 of the POLE protein (p.Ala781Gly). The alanine residue is moderately conserved and there is a small physicochemical difference between alanine and glycine.